The following is an entry in ClinVar:

ClinVar aggregate classification (germline): Likely benign (1 of 4 stars; one submission).

Allele frequency attached by ClinVar (database versions not stated): ExAC 0.00014; gnomAD 0.00014 and 0.00015; ESP Exome Variant Server 0.00015; 1000 Genomes Project 30x 0.00016; TOPMed 0.00016; gnomAD exomes 0.00019; 1000 Genomes Project 0.00020.
gnomAD v4.1: 563 of 1,612,836 alleles (0.035%); highest among the groups gnomAD compares: Non-Finnish European, 0.044%; 2 homozygotes.

Submission:

CeGaT Center for Human Genetics Tuebingen
Classification: Likely benign. Last evaluated: 2026-07-01. Review status: criteria provided, single submitter. Criteria: CeGaT Center For Human Genetics Tuebingen Variant Classification Criteria Version 2. Collection method: clinical testing. Allele origin: germline. Affected: yes. Observed: 3 variant alleles.
Comment: EXOC2: BP4, BP7

NM_018303.6(EXOC2):c.639C>T (p.Phe213=)

Gene: EXOC2 (exocyst complex component 2; minus strand). Cytogenetic location: 6p25.3.
Variant type: single nucleotide variant.
Coding change: c.639C>T on transcript NM_018303.6 (MANE Select); coding-DNA position 639, C replaced by T.
Protein change: p.Phe213=; no amino-acid change (phenylalanine 213 retained).
Molecular consequence: synonymous variant. On other transcripts: non-coding transcript variant (1).
Genome position (GRCh38, 1-based): chr6:617,733, G>A on the plus strand (C>T on the coding strand, the complement: EXOC2 is on the minus strand). VCF-style: chr6-617733-G-A. GRCh37 (hg19) VCF-style: chr6-617733-G-A.
Identifiers: ClinVar variation 1676001 (VCV001676001.33), dbSNP rs147168208, ClinGen allele CA3613801.
Genomic context (GRCh38, chr6:617,733, plus strand): 5'-CGGAAGCTGCCAGCAGATGGCTCTGAGGATCGCCTTACCTGAGAGGGCATCCTGTGCTTC[G>A]AAGAATGTACTGAGACCGCCTTTCACATAGGCCAGGCTGCCCTCACTCTTCTTGTTAGCC-3'
Protein context (NP_060773.3, residues 203-223): AYVKGGLSTF[Phe213=]EAQDALSAIH